The following is an entry in ClinVar:

NM_144701.3(IL23R):c.1118T>C (p.Ile373Thr)

Gene: IL23R (interleukin 23 receptor; plus strand). Cytogenetic location: 1p31.3.
Variant type: single nucleotide variant.
Coding change: c.1118T>C on transcript NM_144701.3 (MANE Select); coding-DNA position 1118, T replaced by C.
Protein change: p.Ile373Thr; replaces isoleucine 373 with threonine.
Molecular consequence: missense variant.
Genome position (GRCh38, 1-based): chr1:67,240,251, T>C. VCF-style: chr1-67240251-T-C. GRCh37 (hg19) VCF-style: chr1-67705934-T-C.
Other names: short protein forms I373T.
Identifiers: ClinVar variation 4811808 (VCV004811808.1).

ClinVar aggregate classification (germline): Uncertain significance (1 of 4 stars; one submission).

Submission:

Labcorp Genetics (formerly Invitae), Labcorp
Classification: Uncertain significance. Last evaluated: 2025-04-24. Review status: criteria provided, single submitter. Criteria: Invitae Variant Classification Sherloc (09022015). Collection method: clinical testing. Allele origin: germline.
Comment: This sequence change replaces isoleucine, which is neutral and non-polar, with threonine, which is neutral and polar, at codon 373 of the IL23R protein (p.Ile373Thr). This variant is present in population databases (rs775162322, gnomAD 0.0009%). This variant has not been reported in the literature in individuals affected with IL23R-related conditions. An algorithm developed to predict the effect of missense changes on protein structure and function outputs the following: PolyPhen-2: "Possibly Damaging". The threonine amino acid residue is found in multiple mammalian species, which suggests that this missense change does not adversely affect protein function. In summary, the available evidence is currently insufficient to determine the role of this variant in disease. Therefore, it has been classified as a Variant of Uncertain Significance.